The following is an entry in ClinVar:

NM_001365536.1(SCN9A):c.4638_4640dup (p.Val1546_Leu1547insPhe)

Genes: SCN9A (sodium voltage-gated channel alpha subunit 9; minus strand), SCN1A-AS1 (SCN1A and SCN9A antisense RNA 1; plus strand). Cytogenetic location: 2q24.3.
Variant type: Duplication.
Coding change: c.4638_4640dup on transcript NM_001365536.1 (MANE Select); coding-DNA positions 4638 to 4640, 3 bases duplicated (TTT; older notation c.4638_4640dupTTT).
Protein change: p.Val1546_Leu1547insPhe.
Molecular consequence: inframe insertion. On other transcripts: inframe indel (1).
Genome position (GRCh38, 1-based): chr2:166,204,089-166,204,091, AAA duplicated on the plus strand (TTT on the coding strand, the reverse complement: SCN9A is on the minus strand); duplicating any 3 consecutive bases within chr2:166,204,089-166,204,092 gives the same sequence; the c. name uses the placement nearest the transcript's 3' end. VCF-style (leftmost placement, unchanged base first): chr2-166204088-T-TAAA. GRCh37 (hg19) VCF-style: chr2-167060598-T-TAAA.
Other names: c.4604_4606dup, p.Val1535_Leu1536insPhe (NM_002977.4).
Identifiers: ClinVar variation 1903877 (VCV001903877.5), dbSNP rs1693674508, ClinGen allele CA1304931989.

ClinVar aggregate classification (germline): Uncertain significance (1 of 4 stars; one submission).

Conditions:
Generalized epilepsy with febrile seizures plus, type 7 (GEFSP7). Also called: GEFS+, TYPE 7. Identifiers: Orphanet 36387, MedGen C2751778, MONDO:0013470, OMIM 613863.
Neuropathy, hereditary sensory and autonomic, type 2A (HSAN2A). Also called: WNK1-Related HSAN2 (HSAN2A); ACROOSTEOLYSIS, GIACCAI TYPE; ACROOSTEOLYSIS, NEUROGENIC; HSAN IIA; MORVAN DISEASE; NEUROPATHY, CONGENITAL SENSORY. Identifiers: Orphanet 970, MedGen C2752089, MONDO:0024309, OMIM 201300.

Submission:

Labcorp Genetics (formerly Invitae), Labcorp
Classification: Uncertain significance for Neuropathy, hereditary sensory and autonomic, type 2A; Generalized epilepsy with febrile seizures plus, type 7. Last evaluated: 2022-07-15. Review status: criteria provided, single submitter. Criteria: Invitae Variant Classification Sherloc (09022015). Collection method: clinical testing. Allele origin: germline.
Comment: In summary, the available evidence is currently insufficient to determine the role of this variant in disease. Therefore, it has been classified as a Variant of Uncertain Significance. This variant, c.4605_4607dup, results in the insertion of 1 amino acid(s) of the SCN9A protein (p.Val1535_Leu1536insPhe), but otherwise preserves the integrity of the reading frame. This variant is not present in population databases (gnomAD no frequency). This variant has not been reported in the literature in individuals affected with SCN9A-related conditions.